The following is an entry in ClinVar:

NM_024649.5(BBS1):c.32C>T (p.Ala11Val)

Gene: BBS1 (Bardet-Biedl syndrome 1; plus strand). Cytogenetic location: 11q13.2.
Variant type: single nucleotide variant.
Coding change: c.32C>T on transcript NM_024649.5 (MANE Select); coding-DNA position 32, C replaced by T.
Protein change: p.Ala11Val; replaces alanine 11 with valine.
Molecular consequence: missense variant.
Genome position (GRCh38, 1-based): chr11:66,510,691, C>T. VCF-style: chr11-66510691-C-T. GRCh37 (hg19) VCF-style: chr11-66278162-C-T.
Other names: short protein forms A11V.
Identifiers: ClinVar variation 1356253 (VCV001356253.6), dbSNP rs150122944, ClinGen allele CA6123188.

ClinVar aggregate classification (germline): Uncertain significance (1 of 4 stars; one submission).

Conditions:
Bardet-Biedl syndrome (BBS). Identifiers: Orphanet 110, MedGen C0752166, MONDO:0015229.

Allele frequency attached by ClinVar (database versions not stated): gnomAD exomes below 0.00001 and 0.00001; gnomAD 0.00002; ExAC 0.00003; 1000 Genomes Project 30x 0.00047; 1000 Genomes Project 0.00060.
gnomAD v4.1: 6 of 1,614,168 alleles (0.00037%); highest among the groups gnomAD compares: Non-Finnish European, 0.00051%; no homozygotes.

Submission:

Labcorp Genetics (formerly Invitae), Labcorp
Classification: Uncertain significance for Bardet-Biedl syndrome. Last evaluated: 2022-07-19. Review status: criteria provided, single submitter. Criteria: Invitae Variant Classification Sherloc (09022015). Collection method: clinical testing. Allele origin: germline.
Comment: ClinVar contains an entry for this variant (Variation ID: 1356253). This variant has not been reported in the literature in individuals affected with BBS1-related conditions. This variant is present in population databases (rs150122944, gnomAD 0.003%). This sequence change replaces alanine, which is neutral and non-polar, with valine, which is neutral and non-polar, at codon 11 of the BBS1 protein (p.Ala11Val). In summary, the available evidence is currently insufficient to determine the role of this variant in disease. Therefore, it has been classified as a Variant of Uncertain Significance. Algorithms developed to predict the effect of missense changes on protein structure and function (SIFT, PolyPhen-2, Align-GVGD) all suggest that this variant is likely to be tolerated.